The following is an entry in ClinVar:

ClinVar aggregate classification (germline): Uncertain significance (1 of 4 stars; one submission).

Submission:

Ambry Genetics
Classification: Uncertain significance. Last evaluated: 2022-09-23. Review status: criteria provided, single submitter. Criteria: Ambry Variant Classification Scheme 2023. Collection method: clinical testing. Allele origin: germline.
Comment: The p.E459A variant (also known as c.1376A>C), located in coding exon 3 of the ALPK2 gene, results from an A to C substitution at nucleotide position 1376. The glutamic acid at codon 459 is replaced by alanine, an amino acid with dissimilar properties. This amino acid position is conserved. In addition, this alteration is predicted to be tolerated by in silico analysis. Since supporting evidence is limited at this time, the clinical significance of this alteration remains unclear.

NM_052947.4(ALPK2):c.1376A>C (p.Glu459Ala)

Gene: ALPK2 (alpha kinase 2; minus strand). Cytogenetic location: 18q21.31.
Variant type: single nucleotide variant.
Coding change: c.1376A>C on transcript NM_052947.4 (MANE Select); coding-DNA position 1376, A replaced by C.
Protein change: p.Glu459Ala; replaces glutamic acid 459 with alanine.
Molecular consequence: missense variant.
Genome position (GRCh38, 1-based): chr18:58,579,400, T>G on the plus strand (A>C on the coding strand, the complement: ALPK2 is on the minus strand). VCF-style: chr18-58579400-T-G. GRCh37 (hg19) VCF-style: chr18-56246632-T-G.
Other names: short protein forms E459A.
Identifiers: ClinVar variation 1771158 (VCV001771158.2), dbSNP rs574637762, ClinGen allele CA402563303.
Genomic context (GRCh38, chr18:58,579,400, plus strand): 5'-AATTCCTCTCTTGCTTGGTGGCTGTCTCTGGTTTCTCCTTGAATTCCTGGATAATCATTT[T>G]CAGCAGCCTCGGGAGCAGTGGGGAGTTTATATCTCCCCTGTTCTGTCACTGAAGACGTTC-3'
Protein context (NP_443179.3, residues 449-469): YKLPTAPEAA[Glu459Ala]NDYPGIQGET